The following is an entry in ClinVar:

ClinVar aggregate classification (germline): Likely benign (1 of 4 stars; one submission).

Conditions:
SEMA3F-related disorder. Also called: SEMA3F-related condition.

gnomAD v4.1: 5 of 1,613,292 alleles (0.00031%); highest among the groups gnomAD compares: Admixed American, 0.0067%; no homozygotes.

Submission:

PreventionGenetics, part of Exact Sciences
Classification: Likely benign for SEMA3F-related condition. Last evaluated: 2025-03-30. Review status: criteria provided, single submitter. Criteria: ACMG Guidelines, 2015. Collection method: clinical testing. Allele origin: germline.
Comment: This variant is classified as likely benign based on ACMG/AMP sequence variant interpretation guidelines (Richards et al. 2015 PMID: 25741868, with internal and published modifications).

NM_004186.5(SEMA3F):c.904-10C>T

Gene: SEMA3F (semaphorin 3F; plus strand). Cytogenetic location: 3p21.31.
Variant type: single nucleotide variant.
Coding change: c.904-10C>T on transcript NM_004186.5 (MANE Select); 10 bases into the intron before coding-DNA position 904, C replaced by T.
Molecular consequence: intron variant.
Genome position (GRCh38, 1-based): chr3:50,182,894, C>T. VCF-style: chr3-50182894-C-T. GRCh37 (hg19) VCF-style: chr3-50220327-C-T.
Other names: c.607-10C>T (NM_001318798.2); c.811-10C>T (NM_001318800.2).
Identifiers: ClinVar variation 4989678 (VCV004989678.1).